The following is an entry in ClinVar:

NM_003601.4(SMARCA5):c.3G>A (p.Met1Ile)

Genes: SMARCA5 (SNF2 related chromatin remodeling ATPase 5; plus strand), SMARCA5-AS1 (SMARCA5 antisense RNA 1; minus strand). Cytogenetic location: 4q31.21.
Variant type: single nucleotide variant.
Coding change: c.3G>A on transcript NM_003601.4 (MANE Select); coding-DNA position 3, G replaced by A.
Protein change: p.Met1Ile; changes the start codon (methionine 1).
Molecular consequence: missense variant, initiator codon variant. On other transcripts: non-coding transcript variant (1).
Genome position (GRCh38, 1-based): chr4:143,513,927, G>A. VCF-style: chr4-143513927-G-A. GRCh37 (hg19) VCF-style: chr4-144435080-G-A.
Other names: short protein forms M1I.
Identifiers: ClinVar variation 1510409 (VCV001510409.6), dbSNP rs1424619235, ClinGen allele CA358323761.

ClinVar aggregate classification (germline): Uncertain significance (1 of 4 stars; one submission).

Allele frequency attached by ClinVar (database versions not stated): gnomAD 0.00001.

Submission:

Labcorp Genetics (formerly Invitae), Labcorp
Classification: Uncertain significance. Last evaluated: 2026-01-15. Review status: criteria provided, single submitter. Criteria: Invitae Variant Classification Sherloc (09022015). Collection method: clinical testing. Allele origin: germline.
Comment: This sequence change affects the initiator codon of the SMARCA5 mRNA. This change may impact translation initiation or efficiency. The next in-frame methionine is located at codon 58. This variant is present in population databases (no rsID available, gnomAD 0.007%). This variant has not been reported in the literature in individuals affected with SMARCA5-related conditions. ClinVar contains an entry for this variant (Variation ID: 1510409). Experimental studies and prediction algorithms are not available or were not evaluated, and the functional significance of this variant is currently unknown. In summary, the available evidence is currently insufficient to determine the role of this variant in disease. Therefore, it has been classified as a Variant of Uncertain Significance.